The following is an entry in ClinVar:

ClinVar aggregate classification (germline): Uncertain significance. Review status: criteria provided, multiple submitters, no conflicts (2 of 4 stars). 2 submissions from 2 submitters: Uncertain significance (2). Last evaluated 2022-11-17.

Conditions:
Amelocerebrohypohidrotic syndrome (KTZS). Also called: EPILEPSY AND YELLOW TEETH; EPILEPSY, DEMENTIA, AND AMELOGENESIS IMPERFECTA; KOHLSCHUTTER SYNDROME; Kohlschutter's syndrome. Identifiers: Orphanet 1946, MedGen C0406740, MONDO:0009185, OMIM 226750.
Inborn genetic diseases. Identifiers: MedGen C0950123, MeSH D030342.

Allele frequency attached by ClinVar (database versions not stated): gnomAD 0.00001; TOPMed 0.00001; ExAC 0.00003.
gnomAD v4.1: 9 of 1,574,206 alleles (0.00057%); highest among the groups gnomAD compares: South Asian, 0.0023%; no homozygotes.

Submissions (2):

Ambry Genetics
Classification: Uncertain significance for Inborn genetic diseases. Last evaluated: 2022-11-17. Review status: criteria provided, single submitter. Criteria: Ambry Variant Classification Scheme 2023. Collection method: clinical testing. Allele origin: germline.

Labcorp Genetics (formerly Invitae), Labcorp
Classification: Uncertain significance for Amelocerebrohypohidrotic syndrome. Last evaluated: 2021-08-17. Review status: criteria provided, single submitter. Criteria: Invitae Variant Classification Sherloc (09022015). Collection method: clinical testing. Allele origin: germline.
Comment: The frequency data for this variant in the population databases is considered unreliable, as metrics indicate poor data quality at this position in the ExAC database. This sequence change replaces alanine with threonine at codon 164 of the ROGDI protein (p.Ala164Thr). The alanine residue is highly conserved and there is a small physicochemical difference between alanine and threonine. This variant has not been reported in the literature in individuals affected with ROGDI-related conditions. Algorithms developed to predict the effect of missense changes on protein structure and function are either unavailable or do not agree on the potential impact of this missense change (SIFT: "Tolerated"; PolyPhen-2: "Probably Damaging"; Align-GVGD: "Class C0"). In summary, the available evidence is currently insufficient to determine the role of this variant in disease. Therefore, it has been classified as a Variant of Uncertain Significance.

NM_024589.3(ROGDI):c.490G>A (p.Ala164Thr)

Gene: ROGDI (rogdi atypical leucine zipper; minus strand). Cytogenetic location: 16p13.3.
Variant type: single nucleotide variant.
Coding change: c.490G>A on transcript NM_024589.3 (MANE Select); coding-DNA position 490, G replaced by A.
Protein change: p.Ala164Thr; replaces alanine 164 with threonine.
Molecular consequence: missense variant. On other transcripts: non-coding transcript variant (1).
Genome position (GRCh38, 1-based): chr16:4,798,610, C>T on the plus strand (G>A on the coding strand, the complement: ROGDI is on the minus strand). VCF-style: chr16-4798610-C-T. GRCh37 (hg19) VCF-style: chr16-4848611-C-T.
Other names: c.490G>A (NM_024589.1); short protein forms A164T.
Identifiers: ClinVar variation 1363545 (VCV001363545.7), dbSNP rs760780110, ClinGen allele CA7882691.
Genomic context (GRCh38, chr16:4,798,610, plus strand): 5'-GGCTGGCAGGGGCACTGACCGTGAGGCCGCTGGCGGCGATCTCGGGGAGGGTGAGGGTGG[C>T]GGGGGTGGTGAGCCGGTTTCGGGCTCTGGTCAGCTGCAGCATCACTGCGTCCATCAGCTG-3'
Protein context (NP_078865.1, residues 154-174): TRARNRLTTP[Ala164Thr]TLTLPEIAAS